The following is an entry in ClinVar:

ClinVar aggregate classification (germline): Uncertain significance (1 of 4 stars; one submission).

Submission:

Labcorp Genetics (formerly Invitae), Labcorp
Classification: Uncertain significance. Last evaluated: 2023-09-27. Review status: criteria provided, single submitter. Criteria: Invitae Variant Classification Sherloc (09022015). Collection method: clinical testing. Allele origin: unknown.
Comment: A copy number gain of the genomic region encompassing the full coding sequence of the TOP3A gene has been identified. The boundaries of this event are unknown as they extend beyond the assayed region for this gene and therefore may encompass additional genes. As the precise location of this event is unknown, it may be in tandem or it may be located elsewhere in the genome. This variant has not been reported in the literature in individuals affected with TOP3A-related conditions. In summary, the available evidence is currently insufficient to determine the role of this variant in disease. Therefore, it has been classified as a Variant of Uncertain Significance.

NC_000017.10:g.(?_18178116)_(18218092_?)dup

Gene: TOP3A (DNA topoisomerase III alpha; minus strand). Cytogenetic location: 17p11.2.
Variant type: Duplication.
Identifiers: ClinVar variation 3243160 (VCV003243160.1).